The following is an entry in ClinVar:

ClinVar aggregate classification (germline): Uncertain significance (1 of 4 stars; one submission).

Submission:

Laboratorio de Genetica e Diagnostico Molecular, Hospital Israelita Albert Einstein
Classification: Uncertain significance. Last evaluated: 2019-03-14. Review status: criteria provided, single submitter. Criteria: ACMG Guidelines, 2015. Collection method: clinical testing. Allele origin: germline. Affected: yes.
Comment: ACMG classification criteria: PM2, PP3

NM_006766.5(KAT6A):c.3782C>T (p.Pro1261Leu)

Gene: KAT6A (lysine acetyltransferase 6A; minus strand). Cytogenetic location: 8p11.21.
Variant type: single nucleotide variant.
Coding change: c.3782C>T on transcript NM_006766.5 (MANE Select); coding-DNA position 3782, C replaced by T.
Protein change: p.Pro1261Leu; replaces proline 1261 with leucine.
Molecular consequence: missense variant.
Genome position (GRCh38, 1-based): chr8:41,934,438, G>A on the plus strand (C>T on the coding strand, the complement: KAT6A is on the minus strand). VCF-style: chr8-41934438-G-A. GRCh37 (hg19) VCF-style: chr8-41791956-G-A.
Other names: short protein forms P1261L.
Identifiers: ClinVar variation 1690658 (VCV001690658.2), dbSNP rs2150856805, ClinGen allele CA371068392.
Genomic context (GRCh38, chr8:41,934,438, plus strand): 5'-TCTGAGACACGGGGCTTCTCTTCTTCCTCCTCCACCTCAGGCTCCTTGGTTTCGGTCTCA[G>A]GACTATTGCTGCTGTCTGCTGGAGAGGCTGCTGGGACTTCACTGCTGGCTGCATCCTCTT-3'
Protein context (NP_006757.2, residues 1251-1271): AASPADSSNS[Pro1261Leu]ETETKEPEVE